The following is an entry in ClinVar:

ClinVar aggregate classification (germline): Uncertain significance (1 of 4 stars; one submission).

Conditions:
Glycine encephalopathy. Also called: Nonketotic hyperglycinemia; Non-ketotic hyperglycinemia. Identifiers: Orphanet 407, MedGen C0751748, MONDO:0011612, HP:0008288.

gnomAD v4.1: 17 of 1,614,084 alleles (0.0011%); highest among the groups gnomAD compares: Non-Finnish European, 0.0013%; no homozygotes.

Submission:

Labcorp Genetics (formerly Invitae), Labcorp
Classification: Uncertain significance for Glycine encephalopathy. Last evaluated: 2022-06-23. Review status: criteria provided, single submitter. Criteria: Invitae Variant Classification Sherloc (09022015). Collection method: clinical testing. Allele origin: germline.
Comment: This sequence change replaces aspartic acid, which is acidic and polar, with glutamic acid, which is acidic and polar, at codon 671 of the GLDC protein (p.Asp671Glu). This variant is not present in population databases (gnomAD no frequency). This variant has not been reported in the literature in individuals affected with GLDC-related conditions. Advanced modeling of protein sequence and biophysical properties (such as structural, functional, and spatial information, amino acid conservation, physicochemical variation, residue mobility, and thermodynamic stability) performed at Invitae indicates that this missense variant is not expected to disrupt GLDC protein function. In summary, the available evidence is currently insufficient to determine the role of this variant in disease. Therefore, it has been classified as a Variant of Uncertain Significance.

NM_000170.3(GLDC):c.2013T>G (p.Asp671Glu)

Gene: GLDC (glycine decarboxylase; minus strand). Cytogenetic location: 9p24.1.
Variant type: single nucleotide variant.
Coding change: c.2013T>G on transcript NM_000170.3 (MANE Select); coding-DNA position 2013, T replaced by G.
Protein change: p.Asp671Glu; replaces aspartic acid 671 with glutamic acid.
Molecular consequence: missense variant.
Genome position (GRCh38, 1-based): chr9:6,558,598, A>C on the plus strand (T>G on the coding strand, the complement: GLDC is on the minus strand). VCF-style: chr9-6558598-A-C. GRCh37 (hg19) VCF-style: chr9-6558598-A-C.
Other names: short protein forms D671E.
Identifiers: ClinVar variation 2199571 (VCV002199571.1), dbSNP rs762425284, ClinGen allele CA372881882.